The following is an entry in ClinVar:

NM_000074.3(CD40LG):c.686T>C (p.Phe229Ser)

Gene: CD40LG (CD40 ligand; plus strand). Cytogenetic location: Xq26.3.
Variant type: single nucleotide variant.
Coding change: c.686T>C on transcript NM_000074.3 (MANE Select); coding-DNA position 686, T replaced by C.
Protein change: p.Phe229Ser; replaces phenylalanine 229 with serine.
Molecular consequence: missense variant.
Genome position (GRCh38, 1-based): chrX:136,659,315, T>C. VCF-style: chrX-136659315-T-C. GRCh37 (hg19) VCF-style: chrX-135741474-T-C.
Other names: c.686T>C (NM_000074.2); short protein forms F229S.
Identifiers: ClinVar variation 624445 (VCV000624445.47), dbSNP rs1569377865, ClinGen allele CA414756523.

ClinVar aggregate classification (germline): Conflicting classifications of pathogenicity. Review status: criteria provided, conflicting classifications (1 of 4 stars). 3 submissions from 3 submitters: Likely pathogenic (1); Uncertain significance (2). Last evaluated 2023-11-09.

Conditions:
Hyper-IgM syndrome type 1. Also called: CD40 Ligand Deficiency; X-linked hyper-IgM syndrome; Immunodeficiency, X-linked, with hyper-IgM; Hyper-IgM Immunodeficiency Syndrome, Type 1. Identifiers: Orphanet 101088, MedGen C0398689, MONDO:0010626, OMIM 308230.

Submissions (3):

GeneDx
Classification: Uncertain significance. Last evaluated: 2023-11-09. Review status: criteria provided, single submitter. Criteria: GeneDx Variant Classification Process June 2021. Collection method: clinical testing. Allele origin: germline. Affected: yes.
Comment: Has not been previously published as pathogenic or benign to our knowledge; Not observed at significant frequency in large population cohorts (gnomAD); In silico analysis supports that this missense variant has a deleterious effect on protein structure/function

Labcorp Genetics (formerly Invitae), Labcorp
Classification: Uncertain significance for Hyper-IgM syndrome type 1. Last evaluated: 2023-07-17. Review status: criteria provided, single submitter. Criteria: Invitae Variant Classification Sherloc (09022015). Collection method: clinical testing. Allele origin: germline.
Comment: This sequence change replaces phenylalanine, which is neutral and non-polar, with serine, which is neutral and polar, at codon 229 of the CD40LG protein (p.Phe229Ser). This variant is not present in population databases (gnomAD no frequency). This variant has not been reported in the literature in individuals affected with CD40LG-related conditions. ClinVar contains an entry for this variant (Variation ID: 624445). Advanced modeling of protein sequence and biophysical properties (such as structural, functional, and spatial information, amino acid conservation, physicochemical variation, residue mobility, and thermodynamic stability) has been performed at Invitae for this missense variant, however the output from this modeling did not meet the statistical confidence thresholds required to predict the impact of this variant on CD40LG protein function. In summary, the available evidence is currently insufficient to determine the role of this variant in disease. Therefore, it has been classified as a Variant of Uncertain Significance.

CeGaT Center for Human Genetics Tuebingen
Classification: Likely pathogenic. Last evaluated: 2018-06-01. Review status: criteria provided, single submitter. Criteria: CeGaT Center For Human Genetics Tuebingen Variant Classification Criteria Version 2. Collection method: clinical testing. Allele origin: germline. Affected: yes. Observed: 1 variant allele.